The following is an entry in ClinVar:

ClinVar aggregate classification (germline): Likely pathogenic (1 of 4 stars; one submission).

Submission:

Labcorp Genetics (formerly Invitae), Labcorp
Classification: Likely pathogenic. Last evaluated: 2022-01-28. Review status: criteria provided, single submitter. Criteria: Invitae Variant Classification Sherloc (09022015). Collection method: clinical testing. Allele origin: germline.
Comment: In summary, the currently available evidence indicates that the variant is pathogenic, but additional data are needed to prove that conclusively. Therefore, this variant has been classified as Likely Pathogenic. Algorithms developed to predict the effect of sequence changes on RNA splicing suggest that this variant may disrupt the consensus splice site. This variant has not been reported in the literature in individuals affected with NDUFAF5-related conditions. This variant is not present in population databases (gnomAD no frequency). This sequence change affects a donor splice site in intron 4 of the NDUFAF5 gene. It is expected to disrupt RNA splicing. Variants that disrupt the donor or acceptor splice site typically lead to a loss of protein function (PMID: 16199547), and loss-of-function variants in NDUFAF5 are known to be pathogenic (PMID: 26275793, 30473481, 32918965).

Literature cited by the submitters: PubMed 16199547; PubMed 26275793; PubMed 30473481; PubMed 32918965.

NM_024120.5(NDUFAF5):c.375+1G>A

Gene: NDUFAF5 (NADH:ubiquinone oxidoreductase complex assembly factor 5; plus strand). Cytogenetic location: 20p12.1.
Variant type: single nucleotide variant.
Coding change: c.375+1G>A on transcript NM_024120.5 (MANE Select); the canonical splice donor site of the intron after coding-DNA position 375, G replaced by A.
Molecular consequence: splice donor variant.
Genome position (GRCh38, 1-based): chr20:13,793,228, G>A. VCF-style: chr20-13793228-G-A. GRCh37 (hg19) VCF-style: chr20-13773874-G-A.
Other names: c.-187+1G>A (NM_001352407.2, NM_001352406.2); c.395+1G>A (NM_001039375.3); c.8+1G>A (NM_001352403.2); c.375+1G>A (NM_001352408.2).
Identifiers: ClinVar variation 1942040 (VCV001942040.5), dbSNP rs2516142174, ClinGen allele CA408268621.